The following is an entry in ClinVar:

NM_000038.6(APC):c.2769AAG[1] (p.Arg924del)

Gene: APC (APC regulator of Wnt signaling pathway; plus strand). Cytogenetic location: 5q22.2.
Variant type: Microsatellite.
Coding change: c.2769AAG[1] on transcript NM_000038.6 (MANE Select); one copy of the 3-base unit AAG starting at c.2769; the reference has two copies in a row; one copy, 3 bases deleted; also written c.2772_2774del.
Protein change: p.Arg924del; deletes arginine 924.
Molecular consequence: inframe deletion.
Genome position (GRCh38, 1-based): chr5:112,838,366-112,838,368, AAG deleted; deleting any 3 consecutive bases within chr5:112,838,361-112,838,368 gives the same sequence; the position shown is the placement nearest the transcript's 3' end. VCF-style (leftmost placement, unchanged base first): chr5-112838360-TAGA-T. GRCh37 (hg19) VCF-style: chr5-112174057-TAGA-T.
Other names: c.2772_2774del (NM_000038.5); c.2769AAG[1], p.Arg924del (NM_001127510.3, NM_001354895.2); c.2715AAG[1], p.Arg906del (NM_001127511.3); c.2823AAG[1], p.Arg942del (NM_001354896.2); c.2799AAG[1], p.Arg934del (NM_001354897.2); c.2694AAG[1], p.Arg899del (NM_001354898.2); c.2685AAG[1], p.Arg896del (NM_001354899.2); c.2646AAG[1], p.Arg883del (NM_001354900.2); and 6 more; short protein forms R906del, R924del, R798del, R883del, R899del, R934del, R641del, R823del.
Identifiers: ClinVar variation 469771 (VCV000469771.13), dbSNP rs1554084439, ClinGen allele CA658655989.
Genomic context (GRCh38, chr5:112,838,360, plus strand): 5'-AGACAGAAGTTCTGGGTCTACCACTGAATTACATTGTGTGACAGATGAGAGAAATGCACT[TAGA>T]AGAAGCTCTGCTGCCCATACACATTCAAACACTTACAATTTCACTAAGTCGGAAAATTCA-3'

ClinVar aggregate classification (germline): Uncertain significance. Review status: criteria provided, multiple submitters, no conflicts (2 of 4 stars). 5 submissions from 5 submitters: Uncertain significance (5). Last evaluated 2025-06-17.

Conditions:
Hereditary cancer-predisposing syndrome. Also called: Hereditary neoplastic syndrome; Neoplastic Syndromes, Hereditary; Tumor predisposition; Hereditary Cancer Syndrome. Identifiers: Orphanet 140162, MedGen C0027672, MeSH D009386, MONDO:0015356.
Familial adenomatous polyposis 1 (FAP1). Also called: POLYPOSIS, ADENOMATOUS INTESTINAL; FAMILIAL ADENOMATOUS POLYPOSIS 1, ATTENUATED. Identifiers: MedGen C2713442, MONDO:0021056, OMIM 175100. Disease mechanism: loss of function.
Classic or attenuated familial adenomatous polyposis. Identifiers: MedGen CN372698, MONDO:0021057.

Submissions (5):

Quest Diagnostics Nichols Institute San Juan Capistrano
Classification: Uncertain significance. Last evaluated: 2025-06-17. Review status: criteria provided, single submitter. Criteria: Quest Diagnostics criteria. Collection method: clinical testing. Allele origin: unknown.
Comment: The APC c.2772_2774del (p.Arg924del) variant has not been reported in individuals with APC-related conditions in the published literature. It also has not been reported in large, multi-ethnic general populations (Genome Aggregation Database). Based on the available information, we are unable to determine the clinical significance of this variant.

Labcorp Genetics (formerly Invitae), Labcorp
Classification: Uncertain significance for Familial adenomatous polyposis 1. Last evaluated: 2025-03-17. Review status: criteria provided, single submitter. Criteria: Invitae Variant Classification Sherloc (09022015). Collection method: clinical testing. Allele origin: germline.
Comment: This variant, c.2772_2774del, results in the deletion of 1 amino acid(s) of the APC protein (p.Arg924del), but otherwise preserves the integrity of the reading frame. This variant is not present in population databases (gnomAD no frequency). This variant has not been reported in the literature in individuals affected with APC-related conditions. ClinVar contains an entry for this variant (Variation ID: 469771). Experimental studies and prediction algorithms are not available or were not evaluated, and the functional significance of this variant is currently unknown. In summary, the available evidence is currently insufficient to determine the role of this variant in disease. Therefore, it has been classified as a Variant of Uncertain Significance.

Ambry Genetics
Classification: Uncertain significance for Hereditary cancer-predisposing syndrome. Last evaluated: 2023-06-29. Review status: criteria provided, single submitter. Criteria: Ambry Variant Classification Scheme 2023. Collection method: clinical testing. Allele origin: germline.
Comment: The c.2772_2774delAAG variant (also known as p.R924del) is located in coding exon 15 of the APC gene. This variant results from an in-frame AAG deletion at nucleotide positions 2772 to 2774. This results in the in-frame deletion of an arginine at codon 924. This amino acid position is well conserved in available vertebrate species; however, this alteration is predicted to be neutral by in silico analysis (Choi Y et al. PLoS ONE. 2012; 7(10):e46688). Since supporting evidence is limited at this time, the clinical significance of this alteration remains unclear.

All of Us Research Program, National Institutes of Health
Classification: Uncertain significance for Classic or attenuated familial adenomatous polyposis. Last evaluated: 2023-06-08. Review status: criteria provided, single submitter. Criteria: ACMG Guidelines, 2015. Collection method: clinical testing. Allele origin: germline. Inheritance: Autosomal dominant inheritance. Observed: 2 variant alleles, 2 heterozygotes.
Comment: This variant causes an in-frame deletion of one amino acid of the APC protein. To our knowledge, functional studies have not been reported for this variant. This variant has not been reported in individuals affected with APC-related disorders in the literature. This variant has not been identified in the general population by the Genome Aggregation Database (gnomAD). The available evidence is insufficient to determine the role of this variant in disease conclusively. Therefore, this variant is classified as a Variant of Uncertain Significance.

This study involves interpretation of variants in research participants for the purpose of population health screening. Participant phenotype was not available at the time of variant classification. Additional details can be found in publication PMID: 35346344, PMCID: PMC8962531

Sema4
Classification: Uncertain significance for Hereditary cancer-predisposing syndrome. Last evaluated: 2021-05-06. Review status: criteria provided, single submitter. Criteria: Sema4 Curation Guidelines. Collection method: curation. Allele origin: germline.
Comment: The APC c.2772_2774delAAG (p.R924del) variant has not been reported in the literature to our knowledge. It was not observed in the large and broad cohorts of the Genome Aggregation Database (PMID: 32461654). This variant has been reported in ClinVar (Variation ID 469771). The evidence is insufficient to meet ACMG/AMP criteria for classifying the variant as benign or pathogenic. Thus, the clinical significance of this variant is currently uncertain.